The following is an entry in ClinVar:

NM_017999.5(RNF31):c.2726A>G (p.Asn909Ser)

Gene: RNF31 (ring finger protein 31; plus strand). Cytogenetic location: 14q12.
Variant type: single nucleotide variant.
Coding change: c.2726A>G on transcript NM_017999.5 (MANE Select); coding-DNA position 2726, A replaced by G.
Protein change: p.Asn909Ser; replaces asparagine 909 with serine.
Molecular consequence: missense variant.
Genome position (GRCh38, 1-based): chr14:24,157,637, A>G. VCF-style: chr14-24157637-A-G. GRCh37 (hg19) VCF-style: chr14-24626846-A-G.
Other names: c.2273A>G, p.Asn758Ser (NM_001310332.2); short protein forms N758S, N909S.
Identifiers: ClinVar variation 2419109 (VCV002419109.43), dbSNP rs1363313799, ClinGen allele CA389306470.

ClinVar aggregate classification (germline): Uncertain significance (1 of 4 stars; one submission).

Allele frequency attached by ClinVar (database versions not stated): gnomAD exomes below 0.00001.
gnomAD v4.1: 6 of 1,613,140 alleles (0.00037%); highest among the groups gnomAD compares: South Asian, 0.0011%; no homozygotes.

Submission:

Labcorp Genetics (formerly Invitae), Labcorp
Classification: Uncertain significance. Last evaluated: 2025-12-16. Review status: criteria provided, single submitter. Criteria: Invitae Variant Classification Sherloc (09022015). Collection method: clinical testing. Allele origin: germline.
Comment: This sequence change replaces asparagine, which is neutral and polar, with serine, which is neutral and polar, at codon 909 of the RNF31 protein (p.Asn909Ser). This variant is present in population databases (no rsID available, gnomAD 0.004%). This variant has not been reported in the literature in individuals affected with RNF31-related conditions. ClinVar contains an entry for this variant (Variation ID: 2419109). An algorithm developed to predict the effect of missense changes on protein structure and function (PolyPhen-2) suggests that this variant is likely to be disruptive. In summary, the available evidence is currently insufficient to determine the role of this variant in disease. Therefore, it has been classified as a Variant of Uncertain Significance.